The following is an entry in ClinVar:

NM_013275.6(ANKRD11):c.2485A>G (p.Thr829Ala)

Gene: ANKRD11 (ankyrin repeat domain 11; minus strand). Cytogenetic location: 16q24.3.
Variant type: single nucleotide variant.
Coding change: c.2485A>G on transcript NM_013275.6 (MANE Select); coding-DNA position 2485, A replaced by G.
Protein change: p.Thr829Ala; replaces threonine 829 with alanine.
Molecular consequence: missense variant.
Genome position (GRCh38, 1-based): chr16:89,284,057, T>C on the plus strand (A>G on the coding strand, the complement: ANKRD11 is on the minus strand). VCF-style: chr16-89284057-T-C. GRCh37 (hg19) VCF-style: chr16-89350465-T-C.
Other names: c.2485A>G, p.Thr829Ala (NM_001256182.2, NM_001256183.2); short protein forms T829A.
Identifiers: ClinVar variation 1929470 (VCV001929470.3), dbSNP rs369798222, ClinGen allele CA8242568.

ClinVar aggregate classification (germline): Uncertain significance (1 of 4 stars; one submission).

Conditions:
KBG syndrome (KBGS). Also called: ANKRD11-Related KBG Syndrome. Identifiers: Orphanet 2332, MedGen C0220687, MONDO:0007846, OMIM 148050.

Allele frequency attached by ClinVar (database versions not stated): ExAC 0.00003; gnomAD 0.00003; TOPMed 0.00003; ESP Exome Variant Server 0.00008; gnomAD exomes 0.00002.
gnomAD v4.1: 26 of 1,614,030 alleles (0.0016%); highest among the groups gnomAD compares: Non-Finnish European, 0.0022%; no homozygotes.

Submission:

Labcorp Genetics (formerly Invitae), Labcorp
Classification: Uncertain significance for KBG syndrome. Last evaluated: 2022-08-03. Review status: criteria provided, single submitter. Criteria: Invitae Variant Classification Sherloc (09022015). Collection method: clinical testing. Allele origin: germline.
Comment: In summary, the available evidence is currently insufficient to determine the role of this variant in disease. Therefore, it has been classified as a Variant of Uncertain Significance. Advanced modeling of protein sequence and biophysical properties (such as structural, functional, and spatial information, amino acid conservation, physicochemical variation, residue mobility, and thermodynamic stability) performed at Invitae indicates that this missense variant is not expected to disrupt ANKRD11 protein function. This variant has not been reported in the literature in individuals affected with ANKRD11-related conditions. This variant is present in population databases (rs369798222, gnomAD 0.003%). This sequence change replaces threonine, which is neutral and polar, with alanine, which is neutral and non-polar, at codon 829 of the ANKRD11 protein (p.Thr829Ala).